The following is an entry in ClinVar:

ClinVar aggregate classification (germline): Uncertain significance (1 of 4 stars; one submission).

Conditions:
Dyskeratosis congenita. Identifiers: Orphanet 1775, MedGen C0265965, MONDO:0015780.

Allele frequency attached by ClinVar (database versions not stated): gnomAD exomes below 0.00001.
gnomAD v4.1: 1 of 1,614,226 alleles (0.000062%); highest among the groups gnomAD compares: Non-Finnish European, 0.000085%; no homozygotes.

Submission:

Labcorp Genetics (formerly Invitae), Labcorp
Classification: Uncertain significance for Dyskeratosis congenita. Last evaluated: 2021-03-27. Review status: criteria provided, single submitter. Criteria: Invitae Variant Classification Sherloc (09022015). Collection method: clinical testing. Allele origin: germline.
Comment: This variant is not present in population databases (ExAC no frequency). In summary, the available evidence is currently insufficient to determine the role of this variant in disease. Therefore, it has been classified as a Variant of Uncertain Significance. Algorithms developed to predict the effect of missense changes on protein structure and function are either unavailable or do not agree on the potential impact of this missense change (SIFT: "Tolerated"; PolyPhen-2: "Possibly Damaging"; Align-GVGD: "Class C0"). This variant has not been reported in the literature in individuals with CTC1-related conditions. This sequence change replaces leucine with arginine at codon 309 of the CTC1 protein (p.Leu309Arg). The leucine residue is weakly conserved and there is a moderate physicochemical difference between leucine and arginine.

NM_025099.6(CTC1):c.926T>G (p.Leu309Arg)

Gene: CTC1 (CST telomere replication complex component 1; minus strand). Cytogenetic location: 17p13.1.
Variant type: single nucleotide variant.
Coding change: c.926T>G on transcript NM_025099.6 (MANE Select); coding-DNA position 926, T replaced by G.
Protein change: p.Leu309Arg; replaces leucine 309 with arginine.
Molecular consequence: missense variant. On other transcripts: non-coding transcript variant (1).
Genome position (GRCh38, 1-based): chr17:8,236,209, A>C on the plus strand (T>G on the coding strand, the complement: CTC1 is on the minus strand). VCF-style: chr17-8236209-A-C. GRCh37 (hg19) VCF-style: chr17-8139527-A-C.
Other names: short protein forms L309R.
Identifiers: ClinVar variation 1464462 (VCV001464462.8), dbSNP rs1555534628, ClinGen allele CA397988512.
Genomic context (GRCh38, chr17:8,236,209, plus strand): 5'-GCCTCTAAGAGGGGTCCTTCCAGCTCCAGTTCCAGCTCCTGCACACATTCTGGTTTCAGC[A>C]GCAACAGACGGGAGGACTGACTGGTCATCCAAACATGCTGGCGCTGACCACGGATCTTGG-3'
Protein context (NP_079375.3, residues 299-319): WMTSQSSRLL[Leu309Arg]LKPECVQELE